The following is an entry in ClinVar:

NM_003119.4(SPG7):c.1729G>A (p.Gly577Ser)

Gene: SPG7 (SPG7 matrix AAA peptidase subunit, paraplegin; plus strand). Cytogenetic location: 16q24.3.
Variant type: single nucleotide variant.
Coding change: c.1729G>A on transcript NM_003119.4 (MANE Select); coding-DNA position 1729, G replaced by A.
Protein change: p.Gly577Ser; replaces glycine 577 with serine.
Molecular consequence: missense variant.
Genome position (GRCh38, 1-based): chr16:89,550,559, G>A. VCF-style: chr16-89550559-G-A. GRCh37 (hg19) VCF-style: chr16-89616967-G-A.
Other names: c.1729G>A, p.Gly577Ser (NM_001363850.1); short protein forms G577S.
Identifiers: ClinVar variation 217006 (VCV000217006.6), dbSNP rs72547552, ClinGen allele CA277518.
Genomic context (GRCh38, chr16:89,550,559, plus strand): 5'-GCCAAAAAGAGCAAGATCCTGTCCAAGGAAGAACAGAAAGTGGTTGCGTTTCATGAGTCG[G>A]GCCACGCCTTGGTGGGCTGGATGCTGGAGCACACGGAGGCCGTGATGAAGGTGGGTCTTG-3'
Protein context (NP_003110.1, residues 567-587): EQKVVAFHES[Gly577Ser]HALVGWMLEH

ClinVar aggregate classification (germline): Pathogenic/Likely pathogenic. Review status: criteria provided, multiple submitters, no conflicts (2 of 4 stars). 3 submissions from 3 submitters: Pathogenic (1); Likely pathogenic (2). Last evaluated 2024-05-15.

Conditions:
Hereditary spastic paraplegia 7 (SPG7). Also called: Autosomal recessive spastic paraplegia type 7; Spastic paraplegia 7; Hereditary spastic paraplegia Paraplegin type; SPASTIC PARAPLEGIA 7, AUTOSOMAL RECESSIVE, WITH OR WITHOUT CEREBELLAR ATAXIA; SPG7-related neurologic disorder. Identifiers: Orphanet 99013, MedGen C1846564, MONDO:0011803, OMIM 607259.

Allele frequency attached by ClinVar (database versions not stated): ExAC 0.00001; gnomAD exomes 0.00001.
gnomAD v4.1: 4 of 1,614,048 alleles (0.00025%); highest among the groups gnomAD compares: South Asian, 0.0044%; no homozygotes.

Submissions (3):

Women's Health and Genetics/Laboratory Corporation of America, LabCorp
Classification: Pathogenic for Hereditary spastic paraplegia 7. Last evaluated: 2024-05-15. Review status: criteria provided, single submitter. Criteria: LabCorp Variant Classification Summary - May 2015. Collection method: clinical testing. Allele origin: germline.
Comment: Variant summary: SPG7 c.1729G>A (p.Gly577Ser) results in a non-conservative amino acid change located in the Peptidase M41 domain (IPR000642) of the encoded protein sequence. Four of four in-silico tools predict a damaging effect of the variant on protein function. The variant allele was found at a frequency of 8e-06 in 251290 control chromosomes (gnomAD). c.1729G>A has been reported in the literature in several individuals affected with Hereditary Spastic Paraplegia 7 or cerebellar ataxia (e.g. Wilkinson_2004, Fogel_2014, Rizzio_2020, Baviera-Muoz_2022). These data indicate that the variant is very likely to be associated with disease. The following publications have been ascertained in the context of this evaluation (PMID: 14985266, 25133958, 33157434, 36530930). ClinVar contains an entry for this variant (Variation ID: 217006). Based on the evidence outlined above, the variant was classified as pathogenic.

Genetics and Genomic Medicine Centre, NeuroGen Healthcare, NeuroGen Healthcare
Classification: Likely pathogenic for Hereditary spastic paraplegia 7. Last evaluated: 2021-09-23. Review status: criteria provided, single submitter. Criteria: Submitter's publication. Collection method: clinical testing. Allele origin: unknown. Affected: no.

UCLA Clinical Genomics Center, UCLA
Classification: Likely pathogenic for Spastic paraplegia 7. Last evaluated: 2013-08-13. Review status: criteria provided, single submitter. Criteria: Lee et al. (JAMA. 2014). Collection method: clinical testing. Allele origin: unknown. Inheritance: Autosomal recessive inheritance. Affected: yes. Study: CES.

Literature cited by the submitters: PubMed 25133958 (cited by Women's Health and Genetics/Laboratory Corporation of America, LabCorp); PubMed 36530930 (cited by Women's Health and Genetics/Laboratory Corporation of America, LabCorp); PubMed 33157434 (cited by Women's Health and Genetics/Laboratory Corporation of America, LabCorp); PubMed 14985266 (cited by Women's Health and Genetics/Laboratory Corporation of America, LabCorp).